The following is an entry in ClinVar:

NM_181882.3(PRX):c.306C>T (p.Thr102=)

Gene: PRX (periaxin; minus strand). Cytogenetic location: 19q13.2.
Variant type: single nucleotide variant.
Coding change: c.306C>T on transcript NM_181882.3 (MANE Select); coding-DNA position 306, C replaced by T.
Protein change: p.Thr102=; no amino-acid change (threonine 102 retained).
Molecular consequence: synonymous variant.
Genome position (GRCh38, 1-based): chr19:40,398,695, G>A on the plus strand (C>T on the coding strand, the complement: PRX is on the minus strand). VCF-style: chr19-40398695-G-A. GRCh37 (hg19) VCF-style: chr19-40904602-G-A.
Other names: p.T102T:ACC>ACT; p.Thr102=; c.306C>T, p.Thr102= (NM_020956.2).
Identifiers: ClinVar variation 130051 (VCV000130051.31), dbSNP rs744389, ClinGen allele CA154804.

ClinVar aggregate classification (germline): Benign/Likely benign. Review status: criteria provided, multiple submitters, no conflicts (2 of 4 stars). 13 submissions from 13 submitters: Benign (7); Likely benign (1). 5 of the submissions do not count toward it. Last evaluated 2026-02-04.

Conditions:
Charcot-Marie-Tooth disease. Also called: Charcot-Marie-Tooth Hereditary Neuropathy; Charcot-Marie-Tooth Neuropathy. Identifiers: Orphanet 166, MedGen C0007959, MONDO:0015626.
Charcot-Marie-Tooth disease type 4. Also called: Charcot-Marie-Tooth, Type 4; Charcot-Marie-Tooth disease, type IV. Identifiers: Orphanet 64749, MedGen C4082197, MONDO:0018995.
Charcot-Marie-Tooth disease type 4F. Also called: Charcot-Marie-Tooth disease, demyelinating, type 4F. Identifiers: Orphanet 99952, MedGen C3540453, MONDO:0013959, OMIM 614895.

Allele frequency attached by ClinVar (database versions not stated): 1000 Genomes Project 30x 0.09900; 1000 Genomes Project 0.10224; TOPMed 0.11612; gnomAD 0.12409 and 0.12560; ESP Exome Variant Server 0.13455; gnomAD exomes 0.14040 and 0.17560; ExAC 0.14547.

Submissions (13):

Labcorp Genetics (formerly Invitae), Labcorp
Classification: Benign for Charcot-Marie-Tooth disease type 4. Last evaluated: 2026-02-04. Review status: criteria provided, single submitter. Criteria: Invitae Variant Classification Sherloc (09022015). Collection method: clinical testing. Allele origin: germline.

Blueprint Genetics
Classification: Likely benign. Last evaluated: 2024-11-28. Review status: criteria provided, single submitter. Criteria: ACMG Guidelines, 2015. Collection method: clinical testing. Allele origin: germline.

Illumina Laboratory Services, Illumina
Classification: Benign for Charcot-Marie-Tooth disease type 4F. Last evaluated: 2018-01-13. Review status: criteria provided, single submitter. Criteria: ICSL Variant Classification Criteria 13 December 2019. Collection method: clinical testing. Allele origin: germline.
Comment: This variant was observed in the ICSL laboratory as part of a predisposition screen in an ostensibly healthy population. It had not been previously curated by ICSL or reported in the Human Gene Mutation Database (HGMD: prior to June 1st, 2018), and was therefore a candidate for classification through an automated scoring system. Utilizing variant allele frequency, disease prevalence and penetrance estimates, and inheritance mode, an automated score was calculated to assess if this variant is too frequent to cause the disease. Based on the score and internal cut-off values, a variant classified as benign is not then subjected to further curation. The score for this variant resulted in a classification of benign for this disease.

Athena Diagnostics
Classification: Benign for Charcot-Marie-Tooth disease type 4F. Last evaluated: 2017-04-25. Review status: criteria provided, single submitter. Criteria: Athena Diagnostics Criteria. Collection method: clinical testing. Allele origin: germline.

Mayo Clinic Laboratories, Mayo Clinic
Classification: Benign. Last evaluated: 2016-03-01. Review status: criteria provided, single submitter. Criteria: ACMG Guidelines, 2015. Collection method: clinical testing. Allele origin: germline. Observed: 675 variant alleles.

GeneDx
Classification: Benign. Last evaluated: 2014-03-20. Review status: criteria provided, single submitter. Criteria: GeneDx Variant Classification (06012015). Collection method: clinical testing. Allele origin: germline. Affected: yes.
Comment: This variant is considered likely benign or benign based on one or more of the following criteria: it is a conservative change, it occurs at a poorly conserved position in the protein, it is predicted to be benign by multiple in silico algorithms, and/or has population frequency not consistent with disease.

Breakthrough Genomics
Classification: Benign. Review status: criteria provided, single submitter. Criteria: ACMG Guidelines, 2015. Collection method: not provided. Allele origin: germline. Inheritance: Autosomal recessive inheritance. Affected: yes.

Molecular Genetics Laboratory, London Health Sciences Centre
Classification: Benign for Charcot-Marie-Tooth disease. Review status: criteria provided, single submitter. Criteria: ACMG Guidelines, 2015. Collection method: clinical testing. Allele origin: germline. Affected: yes.

Clinical Genetics, Academic Medical Center
Classification: Benign. Review status: no assertion criteria provided. Collection method: clinical testing. Allele origin: germline. Affected: yes. Study: VKGL Data-share Consensus. Not counted in ClinVar's aggregate classification.

Diagnostic Laboratory, Department of Genetics, University Medical Center Groningen
Classification: Benign. Review status: no assertion criteria provided. Collection method: clinical testing. Allele origin: germline. Affected: yes. Study: VKGL Data-share Consensus. Not counted in ClinVar's aggregate classification.

Genetic Services Laboratory, University of Chicago
Classification: Likely benign for AllHighlyPenetrant. Review status: no assertion criteria provided. Collection method: clinical testing. Allele origin: germline. Inheritance: Autosomal recessive inheritance. Not counted in ClinVar's aggregate classification.
Comment: Likely benign based on allele frequency in 1000 Genomes Project or ESP global frequency and its presence in a patient with a rare or unrelated disease phenotype. NOT Sanger confirmed.

Inherited Neuropathy Consortium
Classification: Benign. Review status: no assertion criteria provided. Collection method: literature only. Allele origin: germline. Affected: yes. Not counted in ClinVar's aggregate classification.

Joint Genome Diagnostic Labs from Nijmegen and Maastricht, Radboudumc and MUMC+
Classification: Benign. Review status: no assertion criteria provided. Collection method: clinical testing. Allele origin: germline. Affected: yes. Study: VKGL Data-share Consensus. Not counted in ClinVar's aggregate classification.

Literature cited by the submitters: PubMed 11133365 (cited by Inherited Neuropathy Consortium).